The following is an entry in ClinVar:

ClinVar aggregate classification (germline): Uncertain significance. Review status: criteria provided, multiple submitters, no conflicts (2 of 4 stars). 3 submissions from 3 submitters: Uncertain significance (3). Last evaluated 2024-04-03.

Allele frequency attached by ClinVar (database versions not stated): gnomAD 0.00001 and 0.00002; ExAC 0.00002; gnomAD exomes 0.00003 and 0.00005; TOPMed 0.00004.

Submissions (3):

Athena Diagnostics
Classification: Uncertain significance. Last evaluated: 2024-04-03. Review status: criteria provided, single submitter. Criteria: Athena Diagnostics Criteria. Collection method: clinical testing. Allele origin: unknown.
Comment: Available data are insufficient to determine the clinical significance of the variant at this time. The frequency of this variant in the general population is uninformative in assessment of its pathogenicity. Computational tools predict that this variant is not damaging.

Labcorp Genetics (formerly Invitae), Labcorp
Classification: Uncertain significance. Last evaluated: 2024-02-07. Review status: criteria provided, single submitter. Criteria: Invitae Variant Classification Sherloc (09022015). Collection method: clinical testing. Allele origin: germline.
Comment: This sequence change replaces valine, which is neutral and non-polar, with methionine, which is neutral and non-polar, at codon 267 of the KLHL9 protein (p.Val267Met). This variant is present in population databases (rs763390095, gnomAD 0.04%). This variant has not been reported in the literature in individuals affected with KLHL9-related conditions. ClinVar contains an entry for this variant (Variation ID: 1408062). Advanced modeling of protein sequence and biophysical properties (such as structural, functional, and spatial information, amino acid conservation, physicochemical variation, residue mobility, and thermodynamic stability) performed at Invitae indicates that this missense variant is not expected to disrupt KLHL9 protein function with a negative predictive value of 80%. In summary, the available evidence is currently insufficient to determine the role of this variant in disease. Therefore, it has been classified as a Variant of Uncertain Significance.

Ambry Genetics
Classification: Uncertain significance. Last evaluated: 2024-01-08. Review status: criteria provided, single submitter. Criteria: Ambry Variant Classification Scheme 2023. Collection method: clinical testing. Allele origin: germline.

NM_018847.4(KLHL9):c.799G>A (p.Val267Met)

Gene: KLHL9 (kelch like family member 9; minus strand). Cytogenetic location: 9p21.3.
Variant type: single nucleotide variant.
Coding change: c.799G>A on transcript NM_018847.4 (MANE Select); coding-DNA position 799, G replaced by A.
Protein change: p.Val267Met; replaces valine 267 with methionine.
Molecular consequence: missense variant.
Genome position (GRCh38, 1-based): chr9:21,334,061, C>T on the plus strand (G>A on the coding strand, the complement: KLHL9 is on the minus strand). VCF-style: chr9-21334061-C-T. GRCh37 (hg19) VCF-style: chr9-21334060-C-T.
Other names: c.799G>A (NM_018847.2, NM_018847.3); short protein forms V267M.
Identifiers: ClinVar variation 1408062 (VCV001408062.8), dbSNP rs763390095, ClinGen allele CA5010592.
Genomic context (GRCh38, chr9:21,334,061, plus strand): 5'-GCATCACTGGCTGCATATATGGCATCATTTGGTAATTGCTAGCTTCCAAAAGCAAATTCA[C>T]GCAGGTATTGTCTGTTCTCATGAAATCTACTGTCTGCACGTAATTGATGAGATCCTGTGG-3'
Protein context (NP_061335.1, residues 257-277): VDFMRTDNTC[Val267Met]NLLLEASNYQ